The following is an entry in ClinVar:

ClinVar aggregate classification (germline): Uncertain significance (1 of 4 stars; one submission).

Submission:

Labcorp Genetics (formerly Invitae), Labcorp
Classification: Uncertain significance. Last evaluated: 2023-12-11. Review status: criteria provided, single submitter. Criteria: Invitae Variant Classification Sherloc (09022015). Collection method: clinical testing. Allele origin: germline.
Comment: This sequence change replaces asparagine, which is neutral and polar, with serine, which is neutral and polar, at codon 578 of the UNC80 protein (p.Asn578Ser). This variant is not present in population databases (gnomAD no frequency). This variant has not been reported in the literature in individuals affected with UNC80-related conditions. ClinVar contains an entry for this variant (Variation ID: 2009428). An algorithm developed to predict the effect of missense changes on protein structure and function (PolyPhen-2) suggests that this variant is likely to be disruptive. In summary, the available evidence is currently insufficient to determine the role of this variant in disease. Therefore, it has been classified as a Variant of Uncertain Significance.

NM_001371986.1(UNC80):c.1733A>G (p.Asn578Ser)

Gene: UNC80 (unc-80 subunit of NALCN channel complex; plus strand). Cytogenetic location: 2q34.
Variant type: single nucleotide variant.
Coding change: c.1733A>G on transcript NM_001371986.1 (MANE Select); coding-DNA position 1733, A replaced by G.
Protein change: p.Asn578Ser; replaces asparagine 578 with serine.
Molecular consequence: missense variant.
Genome position (GRCh38, 1-based): chr2:209,819,032, A>G. VCF-style: chr2-209819032-A-G. GRCh37 (hg19) VCF-style: chr2-210683756-A-G.
Other names: c.1733A>G, p.Asn578Ser (NM_032504.2, NM_182587.4); short protein forms N578S.
Identifiers: ClinVar variation 2009428 (VCV002009428.4), dbSNP rs2470967809, ClinGen allele CA350135543.
Genomic context (GRCh38, chr2:209,819,032, plus strand): 5'-ACATTGCTTTCATTTTATTAGTGCGATCTCAGATCTCCACCATCACAGTTGCGACCTTCA[A>G]TACCACTTTGGCGTCATTCAACGTAGGCTATGCAGACTTTTTCAATGAGCATATGAGGAA-3'
Protein context (NP_001358915.1, residues 568-588): QISTITVATF[Asn578Ser]TTLASFNVGY